The following is an entry in ClinVar:

NM_013275.6(ANKRD11):c.5646C>G (p.Val1882=)

Gene: ANKRD11 (ankyrin repeat domain 11; minus strand). Cytogenetic location: 16q24.3.
Variant type: single nucleotide variant.
Coding change: c.5646C>G on transcript NM_013275.6 (MANE Select); coding-DNA position 5646, C replaced by G.
Protein change: p.Val1882=; no amino-acid change (valine 1882 retained).
Molecular consequence: synonymous variant.
Genome position (GRCh38, 1-based): chr16:89,280,896, G>C on the plus strand (C>G on the coding strand, the complement: ANKRD11 is on the minus strand). VCF-style: chr16-89280896-G-C. GRCh37 (hg19) VCF-style: chr16-89347304-G-C.
Other names: c.5646C>G (NM_013275.5); c.5646C>G, p.Val1882= (NM_001256182.2, NM_001256183.2).
Identifiers: ClinVar variation 1990014 (VCV001990014.8), dbSNP rs368723176, ClinGen allele CA8241763.

ClinVar aggregate classification (germline): Likely benign. Review status: criteria provided, multiple submitters, no conflicts (2 of 4 stars). 3 submissions from 3 submitters: Likely benign (2). 1 of the submissions does not count toward it. Last evaluated 2025-06-11.

Conditions:
KBG syndrome (KBGS). Also called: ANKRD11-Related KBG Syndrome. Identifiers: Orphanet 2332, MedGen C0220687, MONDO:0007846, OMIM 148050.
ANKRD11-related disorder. Also called: ANKRD11-related condition.

Allele frequency attached by ClinVar (database versions not stated): ExAC 0.00003; gnomAD exomes 0.00004; TOPMed 0.00005; gnomAD 0.00006; ESP Exome Variant Server 0.00008.
gnomAD v4.1: 67 of 1,603,782 alleles (0.0042%); highest among the groups gnomAD compares: Admixed American, 0.0084%; no homozygotes.

Submissions (3):

Labcorp Genetics (formerly Invitae), Labcorp
Classification: Likely benign for KBG syndrome. Last evaluated: 2025-06-11. Review status: criteria provided, single submitter. Criteria: Invitae Variant Classification Sherloc (09022015). Collection method: clinical testing. Allele origin: germline.

Women's Health and Genetics/Laboratory Corporation of America, LabCorp
Classification: Likely benign. Last evaluated: 2024-02-01. Review status: criteria provided, single submitter. Criteria: LabCorp Variant Classification Summary - May 2015. Collection method: clinical testing. Allele origin: germline.
Comment: Variant summary: ANKRD11 c.5646C>G alters a conserved nucleotide resulting in a synonymous change. Consensus agreement among computation tools predict no significant impact on normal splicing. However, these predictions have yet to be confirmed by functional studies. The variant allele was found at a frequency of 2e-05 in 247684 control chromosomes. The available data on variant occurrences in the general population are insufficient to allow any conclusion about variant significance. To our knowledge, no occurrence of c.5646C>G in individuals affected with KBG Syndrome and no experimental evidence demonstrating its impact on protein function have been reported. ClinVar contains an entry for this variant (Variation ID: 1990014). Based on the evidence outlined above, the variant was classified as likely benign.

PreventionGenetics, part of Exact Sciences
Classification: Likely benign for ANKRD11-related condition. Last evaluated: 2024-07-12. Review status: no assertion criteria provided. Collection method: clinical testing. Allele origin: germline. Not counted in ClinVar's aggregate classification.
Comment: This variant is classified as likely benign based on ACMG/AMP sequence variant interpretation guidelines (Richards et al. 2015 PMID: 25741868, with internal and published modifications).